The following is an entry in ClinVar:

ClinVar aggregate classification (germline): Conflicting classifications of pathogenicity. Review status: criteria provided, conflicting classifications (1 of 4 stars). 3 submissions from 3 submitters: Uncertain significance (2); Likely benign (1). Last evaluated 2024-12-13.

Conditions:
Inborn genetic diseases. Identifiers: MedGen C0950123, MeSH D030342.
Dyskeratosis congenita. Identifiers: Orphanet 1775, MedGen C0265965, MONDO:0015780.

Allele frequency attached by ClinVar (database versions not stated): ExAC 0.00002; gnomAD exomes 0.00002; gnomAD 0.00005; TOPMed 0.00006; ESP Exome Variant Server 0.00025.
gnomAD v4.1: 18 of 1,464,518 alleles (0.0012%); highest among the groups gnomAD compares: African/African-American, 0.014%; no homozygotes.

Submissions (3):

Ambry Genetics
Classification: Likely benign for Inborn genetic diseases. Last evaluated: 2024-12-13. Review status: criteria provided, single submitter. Criteria: Ambry Variant Classification Scheme 2023. Collection method: clinical testing. Allele origin: germline.

Labcorp Genetics (formerly Invitae), Labcorp
Classification: Uncertain significance for Dyskeratosis congenita. Last evaluated: 2024-07-25. Review status: criteria provided, single submitter. Criteria: Invitae Variant Classification Sherloc (09022015). Collection method: clinical testing. Allele origin: germline.
Comment: This sequence change replaces alanine, which is neutral and non-polar, with valine, which is neutral and non-polar, at codon 6 of the CTC1 protein (p.Ala6Val). This variant is present in population databases (rs371541763, gnomAD 0.02%). This variant has not been reported in the literature in individuals affected with CTC1-related conditions. ClinVar contains an entry for this variant (Variation ID: 952575). An algorithm developed to predict the effect of missense changes on protein structure and function outputs the following: PolyPhen-2: "Benign". The valine amino acid residue is found in multiple mammalian species, which suggests that this missense change does not adversely affect protein function. In summary, the available evidence is currently insufficient to determine the role of this variant in disease. Therefore, it has been classified as a Variant of Uncertain Significance.

Blueprint Genetics
Classification: Uncertain significance. Last evaluated: 2024-06-21. Review status: criteria provided, single submitter. Criteria: ACMG Guidelines, 2015. Collection method: clinical testing. Allele origin: germline.

NM_025099.6(CTC1):c.17C>T (p.Ala6Val)

Genes: CTC1 (CST telomere replication complex component 1; minus strand), PFAS (phosphoribosylformylglycinamidine synthase; plus strand). Cytogenetic location: 17p13.1.
Variant type: single nucleotide variant.
Coding change: c.17C>T on transcript NM_025099.6 (MANE Select); coding-DNA position 17, C replaced by T.
Protein change: p.Ala6Val; replaces alanine 6 with valine.
Molecular consequence: missense variant. On other transcripts: non-coding transcript variant (1).
Genome position (GRCh38, 1-based): chr17:8,248,020, G>A on the plus strand (C>T on the coding strand, the complement: CTC1 is on the minus strand). VCF-style: chr17-8248020-G-A. GRCh37 (hg19) VCF-style: chr17-8151338-G-A.
Other names: short protein forms A6V.
Identifiers: ClinVar variation 952575 (VCV000952575.12), dbSNP rs371541763, ClinGen allele CA8372762.